The following is an entry in ClinVar:

NM_017763.6(RNF43):c.1637G>A (p.Ser546Asn)

Gene: RNF43 (ring finger protein 43; minus strand). Cytogenetic location: 17q22.
Variant type: single nucleotide variant.
Coding change: c.1637G>A on transcript NM_017763.6 (MANE Select); coding-DNA position 1637, G replaced by A.
Protein change: p.Ser546Asn; replaces serine 546 with asparagine.
Molecular consequence: missense variant.
Genome position (GRCh38, 1-based): chr17:58,358,139, C>T on the plus strand (G>A on the coding strand, the complement: RNF43 is on the minus strand). VCF-style: chr17-58358139-C-T. GRCh37 (hg19) VCF-style: chr17-56435500-C-T.
Other names: c.1637G>A, p.Ser546Asn (NM_001305544.3, NM_001438820.1, NM_001438821.1 and 1 more transcripts); c.1256G>A, p.Ser419Asn (NM_001305545.2, NM_001437987.1); short protein forms S546N, S419N.
Identifiers: ClinVar variation 4841970 (VCV004841970.1).

ClinVar aggregate classification (germline): Uncertain significance (1 of 4 stars; one submission).

Submission:

Ambry Genetics
Classification: Uncertain significance. Last evaluated: 2025-12-29. Review status: criteria provided, single submitter. Criteria: Ambry Variant Classification Scheme 2023. Collection method: clinical testing. Allele origin: germline.
Comment: The p.S546N variant (also known as c.1637G>A), located in coding exon 8 of the RNF43 gene, results from a G to A substitution at nucleotide position 1637. The serine at codon 546 is replaced by asparagine, an amino acid with highly similar properties. This amino acid position is conserved. In addition, this alteration is predicted to be tolerated by in silico analysis. Based on the available evidence, the clinical significance of this variant remains unclear.